The following is an entry in ClinVar:

ClinVar aggregate classification (germline): Uncertain significance (1 of 4 stars; one submission).

Conditions:
Developmental and epileptic encephalopathy, 9 (DEE9). Also called: JUBERG-HELLMAN SYNDROME; PCDH19-Related X-Linked Female-Limited Epilepsy with Mental Retardation; Early infantile epileptic encephalopathy 9; EPILEPSY, FEMALE-RESTRICTED, WITH MENTAL RETARDATION. Identifiers: Orphanet 101039, Orphanet 2076, MedGen C1848137, MONDO:0010246, OMIM 300088. Disease mechanism: loss of function.

Allele frequency attached by ClinVar (database versions not stated): ExAC 0.00002.

Submission:

Labcorp Genetics (formerly Invitae), Labcorp
Classification: Uncertain significance for Developmental and epileptic encephalopathy, 9. Last evaluated: 2023-09-10. Review status: criteria provided, single submitter. Criteria: Invitae Variant Classification Sherloc (09022015). Collection method: clinical testing. Allele origin: germline.
Comment: In summary, the available evidence is currently insufficient to determine the role of this variant in disease. Therefore, it has been classified as a Variant of Uncertain Significance. The frequency data for this variant in the population databases is considered unreliable, as metrics indicate poor data quality at this position in the gnomAD database. This variant has not been reported in the literature in individuals affected with PCDH19-related conditions. Advanced modeling of protein sequence and biophysical properties (such as structural, functional, and spatial information, amino acid conservation, physicochemical variation, residue mobility, and thermodynamic stability) performed at Invitae indicates that this missense variant is not expected to disrupt PCDH19 protein function. This sequence change replaces serine, which is neutral and polar, with isoleucine, which is neutral and non-polar, at codon 1118 of the PCDH19 protein (p.Ser1118Ile).

NM_001184880.2(PCDH19):c.3353G>T (p.Ser1118Ile)

Gene: PCDH19 (protocadherin 19; minus strand). Cytogenetic location: Xq22.1.
Variant type: single nucleotide variant.
Coding change: c.3353G>T on transcript NM_001184880.2 (MANE Select); coding-DNA position 3353, G replaced by T.
Protein change: p.Ser1118Ile; replaces serine 1118 with isoleucine.
Molecular consequence: missense variant.
Genome position (GRCh38, 1-based): chrX:100,296,371, C>A on the plus strand (G>T on the coding strand, the complement: PCDH19 is on the minus strand). VCF-style: chrX-100296371-C-A. GRCh37 (hg19) VCF-style: chrX-99551369-C-A.
Other names: c.3212G>T, p.Ser1071Ile (NM_001105243.2); c.3209G>T, p.Ser1070Ile (NM_020766.3); short protein forms S1118I, S1070I, S1071I.
Identifiers: ClinVar variation 2899363 (VCV002899363.3), dbSNP rs760088234, ClinGen allele CA10468631.